The following continues an entry in ClinVar:

NM_004415.4(DSP):c.6208G>A (p.Asp2070Asn)

Gene: DSP. ClinVar aggregate classification (germline): Conflicting classifications of pathogenicity. Uncertain significance (2); Benign (6); Likely benign (13).

Submissions 19 to 28 of 28:

Stanford Center for Inherited Cardiovascular Disease, Stanford University
Classification: Uncertain significance. Last evaluated: 2014-03-26. Review status: criteria provided, single submitter. Criteria: ACMG Guidelines, 2015. Collection method: provider interpretation. Allele origin: germline.

Biesecker Lab/Clinical Genomics Section, National Institutes of Health
Classification: Likely benign. Last evaluated: 2013-06-24. Review status: criteria provided, single submitter. Criteria: Ng et al. (Circ Cardiovasc Genet. 2013). Collection method: research. Allele origin: unknown. Observed: 3 variant alleles. Study: ClinSeq.
Comment: The study set was not selected for affection status in relation to any cancer. Pathogenicity categories were based on literature curation. See Pubmed ID:23861362 for details.

Medical sequencing

Genetics and Genomics Program, Sidra Medicine
Classification: Uncertain significance for Primary dilated cardiomyopathy. Review status: criteria provided, single submitter. Criteria: ACMG Guidelines, 2015. Collection method: research. Allele origin: unknown. Affected: yes. Observed: 1 variant allele.

PreventionGenetics, part of Exact Sciences
Classification: Benign for DSP-related condition. Last evaluated: 2019-10-30. Review status: no assertion criteria provided. Collection method: clinical testing. Allele origin: germline. Not counted in ClinVar's aggregate classification.
Comment: This variant is classified as benign based on ACMG/AMP sequence variant interpretation guidelines (Richards et al. 2015 PMID: 25741868, with internal and published modifications).

Knight Diagnostic Laboratories, Oregon Health and Sciences University
Classification: Uncertain significance for Arrhythmogenic right ventricular dysplasia 8. Last evaluated: 2015-06-04. Review status: no assertion criteria provided. Criteria: ACMG Guidelines, 2015. Collection method: clinical testing. Allele origin: germline. Affected: no. Study: CSER-NextGen. Not counted in ClinVar's aggregate classification.

Clinical Genetics DNA and cytogenetics Diagnostics Lab, Erasmus MC, Erasmus Medical Center
Classification: Likely benign. Review status: no assertion criteria provided. Collection method: clinical testing. Allele origin: germline. Affected: yes. Study: VKGL Data-share Consensus. Not counted in ClinVar's aggregate classification.

Clinical Genetics, Academic Medical Center
Classification: Benign. Review status: no assertion criteria provided. Collection method: clinical testing. Allele origin: germline. Affected: yes. Study: VKGL Data-share Consensus. Not counted in ClinVar's aggregate classification.

Genome Diagnostics Laboratory, University Medical Center Utrecht
Classification: Likely benign. Review status: no assertion criteria provided. Collection method: clinical testing. Allele origin: germline. Affected: yes. Study: VKGL Data-share Consensus. Not counted in ClinVar's aggregate classification.

Joint Genome Diagnostic Labs from Nijmegen and Maastricht, Radboudumc and MUMC+
Classification: Benign. Review status: no assertion criteria provided. Collection method: clinical testing. Allele origin: germline. Affected: yes. Study: VKGL Data-share Consensus. Not counted in ClinVar's aggregate classification.

Laboratory of Diagnostic Genome Analysis, Leiden University Medical Center (LUMC)
Classification: Likely benign. Review status: no assertion criteria provided. Collection method: clinical testing. Allele origin: germline. Affected: yes. Study: VKGL Data-share Consensus. Not counted in ClinVar's aggregate classification.

Literature cited by the submitters: PubMed 30975432 (cited by Mayo Clinic Laboratories, Mayo Clinic); PubMed 31028937 (cited by Mayo Clinic Laboratories, Mayo Clinic); PubMed 33232181 (cited by Mayo Clinic Laboratories, Mayo Clinic); PubMed 26073755 (cited by Broad Center for Mendelian Genomics, Broad Institute of MIT and Harvard and Ambry Genetics); PubMed 30820396 (cited by Broad Center for Mendelian Genomics, Broad Institute of MIT and Harvard); PubMed 24503780 (cited by 3 submitters); PubMed 20864495 (cited by 3 submitters); PubMed 23861362 (cited by Ambry Genetics); PubMed 25661095 (cited by Ambry Genetics); PubMed 26743238 (cited by Ambry Genetics).